The following is an entry in ClinVar:

NM_018136.5(ASPM):c.3742-3dup

Gene: ASPM (assembly factor for spindle microtubules; minus strand). Cytogenetic location: 1q31.3.
Variant type: Duplication.
Coding change: c.3742-3dup on transcript NM_018136.5 (MANE Select); 3 bases into the intron before coding-DNA position 3742, one base duplicated (T; older notation c.3742-3dupT).
Molecular consequence: intron variant.
Genome position (GRCh38, 1-based): chr1:197,122,046, A duplicated on the plus strand (T on the coding strand, the reverse complement: ASPM is on the minus strand); the first of 8 consecutive A bases (chr1:197,122,046-197,122,053); duplicating any one gives the same sequence. VCF-style (leftmost placement, unchanged base first): chr1-197122045-T-TA. GRCh37 (hg19) VCF-style: chr1-197091175-T-TA.
Other names: c.3742-3dup (NM_001206846.2); c.3742-3dupT (NM_018136.4).
Identifiers: ClinVar variation 157810 (VCV000157810.15), dbSNP rs587783236, ClinGen allele CA171205.
Genomic context (GRCh38, chr1:197,122,045, plus strand): 5'-ATTTCTTTACGAAGATCCAAAAGCCTTGCACAAAGAAATGACAAATAGGTAATAACCACC[T>TA]AAAAAAAACCCACAAAAGATAAAAACAGAATATCAACAGAGAATACAGTACTTACTATCA-3'

ClinVar aggregate classification (germline): Benign/Likely benign. Review status: criteria provided, multiple submitters, no conflicts (2 of 4 stars). 5 submissions from 5 submitters: Benign (3); Likely benign (2). Last evaluated 2026-02-10.

Conditions:
ASPM-related disorder. Also called: ASPM-related condition.
Microcephaly 5, primary, autosomal recessive (MCPH5). Also called: ASPM Primary Microcephaly. Identifiers: Orphanet 2512, MedGen C1837501, MONDO:0012106, OMIM 608716.

Submissions (5):

PreventionGenetics, part of Exact Sciences
Classification: Likely benign for ASPM-related condition. Last evaluated: 2026-02-10. Review status: criteria provided, single submitter. Criteria: ACMG Guidelines, 2015. Collection method: clinical testing. Allele origin: germline.
Comment: This variant is classified as likely benign based on ACMG/AMP sequence variant interpretation guidelines (Richards et al. 2015 PMID: 25741868, with internal and published modifications).

Labcorp Genetics (formerly Invitae), Labcorp
Classification: Benign. Last evaluated: 2025-12-08. Review status: criteria provided, single submitter. Criteria: Invitae Variant Classification Sherloc (09022015). Collection method: clinical testing. Allele origin: germline.

Genome-Nilou Lab
Classification: Benign for Microcephaly 5, primary, autosomal recessive. Last evaluated: 2023-04-11. Review status: criteria provided, single submitter. Criteria: ACMG Guidelines, 2015. Collection method: clinical testing. Allele origin: germline. Affected: no.

GeneDx
Classification: Likely benign. Last evaluated: 2017-09-25. Review status: criteria provided, single submitter. Criteria: GeneDx Variant Classification (06012015). Collection method: clinical testing. Allele origin: germline. Affected: yes.
Comment: This variant is considered likely benign or benign based on one or more of the following criteria: it is a conservative change, it occurs at a poorly conserved position in the protein, it is predicted to be benign by multiple in silico algorithms, and/or has population frequency not consistent with disease.

Genetic Services Laboratory, University of Chicago
Classification: Benign. Last evaluated: 2014-01-24. Review status: criteria provided, single submitter. Criteria: ACMG Guidelines, 2007. Collection method: clinical testing. Allele origin: germline. Inheritance: Autosomal recessive inheritance.